The following is an entry in ClinVar:

NM_001396959.1(TBC1D1):c.2519-7A>G

Gene: TBC1D1 (TBC1 domain family member 1; plus strand). Cytogenetic location: 4p14.
Variant type: single nucleotide variant.
Coding change: c.2519-7A>G on transcript NM_001396959.1 (MANE Select); 7 bases into the intron before coding-DNA position 2519, A replaced by G.
Molecular consequence: intron variant.
Genome position (GRCh38, 1-based): chr4:38,095,922, A>G. VCF-style: chr4-38095922-A-G. GRCh37 (hg19) VCF-style: chr4-38097543-A-G.
Other names: c.2519-7A>G (NM_001253912.2); c.2237-7A>G (NM_015173.4).
Identifiers: ClinVar variation 3030489 (VCV003030489.2), dbSNP rs752611279, ClinGen allele CA2888045.
Genomic context (GRCh38, chr4:38,095,922, plus strand): 5'-CATGTTGTGTAATGGAAATTCCATAGCTGTAGCCTTTACTAATGCGCTCTGGAATGGTCT[A>G]TTCCAGCCTCTGAAAATGATTTGCTGAACAAGCGCCTGAAGCTCGATTATGAAGAAATTA-3'

ClinVar aggregate classification (germline): Likely benign (0 of 4 stars; one submission).

Conditions:
TBC1D1-related disorder. Also called: TBC1D1-related condition.

Allele frequency attached by ClinVar (database versions not stated): gnomAD 0.00005; TOPMed 0.00006; ExAC 0.00008.
gnomAD v4.1: 56 of 1,612,508 alleles (0.0035%); highest among the groups gnomAD compares: Admixed American, 0.032%; no homozygotes.

Submission:

PreventionGenetics, part of Exact Sciences
Classification: Likely benign for TBC1D1-related condition. Last evaluated: 2023-05-31. Review status: no assertion criteria provided. Collection method: clinical testing. Allele origin: germline.
Comment: This variant is classified as likely benign based on ACMG/AMP sequence variant interpretation guidelines (Richards et al. 2015 PMID: 25741868, with internal and published modifications).